The following is an entry in ClinVar:

NM_001085049.3(MRAS):c.398T>C (p.Leu133Ser)

Gene: MRAS (muscle RAS oncogene homolog; plus strand). Cytogenetic location: 3q22.3.
Variant type: single nucleotide variant.
Coding change: c.398T>C on transcript NM_001085049.3 (MANE Select); coding-DNA position 398, T replaced by C.
Protein change: p.Leu133Ser; replaces leucine 133 with serine.
Molecular consequence: missense variant.
Genome position (GRCh38, 1-based): chr3:138,398,519, T>C. VCF-style: chr3-138398519-T-C. GRCh37 (hg19) VCF-style: chr3-138117361-T-C.
Other names: c.398T>C, p.Leu133Ser (NM_001252090.2, NM_012219.4); c.170T>C, p.Leu57Ser (NM_001252091.1, NM_001252092.2, NM_001252093.2); short protein forms L133S, L57S.
Identifiers: ClinVar variation 1359581 (VCV001359581.6), dbSNP rs2108563779, ClinGen allele CA354674628.

ClinVar aggregate classification (germline): Uncertain significance (1 of 4 stars; one submission).

Submission:

Labcorp Genetics (formerly Invitae), Labcorp
Classification: Uncertain significance. Last evaluated: 2021-08-13. Review status: criteria provided, single submitter. Criteria: Invitae Variant Classification Sherloc (09022015). Collection method: clinical testing. Allele origin: germline.
Comment: This sequence change replaces leucine with serine at codon 133 of the MRAS protein (p.Leu133Ser). The leucine residue is highly conserved and there is a large physicochemical difference between leucine and serine. This variant is not present in population databases (ExAC no frequency). This variant has not been reported in the literature in individuals affected with MRAS-related conditions. Algorithms developed to predict the effect of missense changes on protein structure and function are either unavailable or do not agree on the potential impact of this missense change (SIFT: "Deleterious"; PolyPhen-2: "Benign"; Align-GVGD: "Class C65"). In summary, the available evidence is currently insufficient to determine the role of this variant in disease. Therefore, it has been classified as a Variant of Uncertain Significance.